The following is an entry in ClinVar:

ClinVar aggregate classification (germline): Uncertain significance. Review status: criteria provided, multiple submitters, no conflicts (2 of 4 stars). 2 submissions from 2 submitters: Uncertain significance (2). Last evaluated 2025-07-01.

Conditions:
RYR1-related disorder. Also called: RYR1-related condition; RYR1-related disorders. Identifiers: MedGen CN239331.

Allele frequency attached by ClinVar (database versions not stated): TOPMed below 0.00001.
gnomAD v4.1: 6 of 1,614,130 alleles (0.00037%); highest among the groups gnomAD compares: South Asian, 0.0033%; no homozygotes.

Submissions (2):

GeneDx
Classification: Uncertain significance. Last evaluated: 2025-07-01. Review status: criteria provided, single submitter. Criteria: GeneDx Variant Classification Process June 2021. Collection method: clinical testing. Allele origin: germline. Affected: yes.
Comment: Not observed at significant frequency in large population cohorts (gnomAD); In silico analysis supports that this missense variant has a deleterious effect on protein structure/function; Has not been previously published as pathogenic or benign to our knowledge

Labcorp Genetics (formerly Invitae), Labcorp
Classification: Uncertain significance for RYR1-related disorder. Last evaluated: 2025-04-29. Review status: criteria provided, single submitter. Criteria: Invitae Variant Classification Sherloc (09022015). Collection method: clinical testing. Allele origin: germline.
Comment: This sequence change replaces cysteine, which is neutral and slightly polar, with arginine, which is basic and polar, at codon 3650 of the RYR1 protein (p.Cys3650Arg). This variant is present in population databases (no rsID available, gnomAD 0.01%). This variant has not been reported in the literature in individuals affected with RYR1-related conditions. ClinVar contains an entry for this variant (Variation ID: 1483477). Invitae Evidence Modeling of protein sequence and biophysical properties (such as structural, functional, and spatial information, amino acid conservation, physicochemical variation, residue mobility, and thermodynamic stability) indicates that this missense variant is not expected to disrupt RYR1 protein function with a negative predictive value of 80%. In summary, the available evidence is currently insufficient to determine the role of this variant in disease. Therefore, it has been classified as a Variant of Uncertain Significance.

NM_000540.3(RYR1):c.10948T>C (p.Cys3650Arg)

Gene: RYR1 (ryanodine receptor 1; plus strand). Cytogenetic location: 19q13.2.
Variant type: single nucleotide variant.
Coding change: c.10948T>C on transcript NM_000540.3 (MANE Select); coding-DNA position 10948, T replaced by C.
Protein change: p.Cys3650Arg; replaces cysteine 3650 with arginine.
Molecular consequence: missense variant.
Genome position (GRCh38, 1-based): chr19:38,528,609, T>C. VCF-style: chr19-38528609-T-C. GRCh37 (hg19) VCF-style: chr19-39019249-T-C.
Other names: c.10933T>C, p.Cys3645Arg (NM_001042723.2); c.10948T>C (NM_000540.2); short protein forms C3650R, C3645R.
Identifiers: ClinVar variation 1483477 (VCV001483477.7), dbSNP rs1167987822, ClinGen allele CA405649695.